The following is an entry in ClinVar:

ClinVar aggregate classification (germline): Uncertain significance. Review status: criteria provided, multiple submitters, no conflicts (2 of 4 stars). 2 submissions from 2 submitters: Uncertain significance (2). Last evaluated 2021-08-28.

Conditions:
Joubert syndrome. Also called: CEREBELLOPARENCHYMAL DISORDER IV; JOUBERT-BOLTSHAUSER SYNDROME; Familial aplasia of the vermis. Identifiers: Orphanet 475, MedGen C5979921, MONDO:0018772.
Meckel-Gruber syndrome. Also called: DYSENCEPHALIA SPLANCHNOCYSTICA; GRUBER SYNDROME; Dysencephalia splachnocystica. Identifiers: Orphanet 564, MedGen C0265215, MONDO:0018921.

Allele frequency attached by ClinVar (database versions not stated): gnomAD exomes below 0.00001; ExAC 0.00001; TOPMed 0.00001.

Submissions (2):

Labcorp Genetics (formerly Invitae), Labcorp
Classification: Uncertain significance for Joubert syndrome; Meckel-Gruber syndrome. Last evaluated: 2021-08-28. Review status: criteria provided, single submitter. Criteria: Invitae Variant Classification Sherloc (09022015). Collection method: clinical testing. Allele origin: germline.
Comment: This sequence change replaces proline with serine at codon 223 of the TCTN1 protein (p.Pro223Ser). The proline residue is highly conserved and there is a moderate physicochemical difference between proline and serine. This variant is present in population databases (rs770297289, ExAC 0.001%). This variant has not been reported in the literature in individuals affected with TCTN1-related conditions. Algorithms developed to predict the effect of missense changes on protein structure and function (SIFT, PolyPhen-2, Align-GVGD) all suggest that this variant is likely to be disruptive. In summary, the available evidence is currently insufficient to determine the role of this variant in disease. Therefore, it has been classified as a Variant of Uncertain Significance.

Breakthrough Genomics
Classification: Uncertain significance. Review status: criteria provided, single submitter. Criteria: ACMG Guidelines, 2015. Collection method: not provided. Allele origin: germline. Inheritance: Autosomal recessive inheritance. Affected: yes.

NM_001082538.3(TCTN1):c.667C>T (p.Pro223Ser)

Gene: TCTN1 (tectonic family member 1; plus strand). Cytogenetic location: 12q24.11.
Variant type: single nucleotide variant.
Coding change: c.667C>T on transcript NM_001082538.3 (MANE Select); coding-DNA position 667, C replaced by T.
Protein change: p.Pro223Ser; replaces proline 223 with serine.
Molecular consequence: missense variant. On other transcripts: non-coding transcript variant (1).
Genome position (GRCh38, 1-based): chr12:110,632,514, C>T. VCF-style: chr12-110632514-C-T. GRCh37 (hg19) VCF-style: chr12-111070319-C-T.
Other names: c.667C>T, p.Pro223Ser (NM_001082537.3, NM_001319680.2, NM_024549.6); c.499C>T, p.Pro167Ser (NM_001173975.3); c.487C>T, p.Pro163Ser (NM_001173976.2); c.133C>T, p.Pro45Ser (NM_001319681.2); short protein forms P163S, P167S, P223S, P45S.
Identifiers: ClinVar variation 1425661 (VCV001425661.6), dbSNP rs770297289, ClinGen allele CA6786662.
Genomic context (GRCh38, chr12:110,632,514, plus strand): 5'-TGGTTGTTGTGTTTGCAGTATGGGGTTCCTCTGCAGACTTCAGATTCGTTTCTGAGATTT[C>T]CTTCGTCCCTGACATCATCTCTGTGCACTGATAATAACCCTGCAGGTAAGAAAGTGGTCA-3'
Protein context (NP_001076007.1, residues 213-233): LQTSDSFLRF[Pro223Ser]SSLTSSLCTD